The following is an entry in ClinVar:

ClinVar aggregate classification (germline): Uncertain significance (1 of 4 stars; one submission).

Conditions:
Gastrointestinal stromal tumor. Also called: Gastrointestinal stromal tumor, somatic; Gastrointestinal stroma tumor. Identifiers: Orphanet 44890, MedGen C0238198, MeSH D046152, MONDO:0011719, OMIM 606764, HP:0100723.

Submission:

Labcorp Genetics (formerly Invitae), Labcorp
Classification: Uncertain significance for Gastrointestinal stromal tumor. Last evaluated: 2025-09-14. Review status: criteria provided, single submitter. Criteria: Invitae Variant Classification Sherloc (09022015). Collection method: clinical testing. Allele origin: germline.
Comment: This sequence change replaces glutamic acid, which is acidic and polar, with lysine, which is basic and polar, at codon 36 of the PDGFRA protein (p.Glu36Lys). This variant is not present in population databases (gnomAD no frequency). This variant has not been reported in the literature in individuals affected with PDGFRA-related conditions. Invitae Evidence Modeling of protein sequence and biophysical properties (such as structural, functional, and spatial information, amino acid conservation, physicochemical variation, residue mobility, and thermodynamic stability) indicates that this missense variant is not expected to disrupt PDGFRA protein function with a negative predictive value of 80%. In summary, the available evidence is currently insufficient to determine the role of this variant in disease. Therefore, it has been classified as a Variant of Uncertain Significance.

NM_006206.6(PDGFRA):c.106G>A (p.Glu36Lys)

Gene: PDGFRA (platelet derived growth factor receptor alpha; plus strand). Cytogenetic location: 4q12.
Variant type: single nucleotide variant.
Coding change: c.106G>A on transcript NM_006206.6 (MANE Select); coding-DNA position 106, G replaced by A.
Protein change: p.Glu36Lys; replaces glutamic acid 36 with lysine.
Molecular consequence: missense variant.
Genome position (GRCh38, 1-based): chr4:54,261,151, G>A. VCF-style: chr4-54261151-G-A. GRCh37 (hg19) VCF-style: chr4-55127318-G-A.
Other names: c.106G>A, p.Glu36Lys (NM_001347827.2, NM_001347829.2); c.181G>A, p.Glu61Lys (NM_001347828.2); c.145G>A, p.Glu49Lys (NM_001347830.2); short protein forms E49K, E36K, E61K.
Identifiers: ClinVar variation 4741029 (VCV004741029.1).
Genomic context (GRCh38, chr4:54,261,151, plus strand): 5'-GCAGGGCTGAGCCTAATCCTCTGCCAGCTTTCATTACCCTCTATCCTTCCAAATGAAAAT[G>A]AAAAGGTTGTGCAGCTGAATTCATCCTTTTCTCTGAGATGCTTTGGGGAGAGTGAAGTGA-3'
Protein context (NP_006197.1, residues 26-46): SLPSILPNEN[Glu36Lys]KVVQLNSSFS